The following is an entry in ClinVar:

ClinVar aggregate classification (germline): Uncertain significance. Review status: criteria provided, multiple submitters, no conflicts (2 of 4 stars). 2 submissions from 2 submitters: Uncertain significance (2). Last evaluated 2022-07-11.

Conditions:
Arrhythmogenic right ventricular dysplasia 11. Also called: Arrhythmogenic Right Ventricular Dysplasia/Cardiomyopathy11; ARRHYTHMOGENIC RIGHT VENTRICULAR DYSPLASIA, FAMILIAL, 11; Arrhythmogenic right ventricular dysplasia 11 with mild palmoplantar keratoderma and woolly hair. Identifiers: MedGen C1864850, MONDO:0012506, OMIM 610476.

Allele frequency attached by ClinVar (database versions not stated): gnomAD exomes below 0.00001.

Submissions (2):

Blueprint Genetics
Classification: Uncertain significance. Last evaluated: 2022-07-11. Review status: criteria provided, single submitter. Criteria: ACMG Guidelines, 2015. Collection method: clinical testing. Allele origin: germline.

Labcorp Genetics (formerly Invitae), Labcorp
Classification: Uncertain significance for Arrhythmogenic right ventricular dysplasia 11. Last evaluated: 2021-11-26. Review status: criteria provided, single submitter. Criteria: Invitae Variant Classification Sherloc (09022015). Collection method: clinical testing. Allele origin: germline.
Comment: This variant is not present in population databases (gnomAD no frequency). This variant has not been reported in the literature in individuals affected with DSC2-related conditions. Algorithms developed to predict the effect of missense changes on protein structure and function are either unavailable or do not agree on the potential impact of this missense change (SIFT: "Deleterious"; PolyPhen-2: "Possibly Damaging"; Align-GVGD: "Class C0"). In summary, the available evidence is currently insufficient to determine the role of this variant in disease. Therefore, it has been classified as a Variant of Uncertain Significance. This sequence change replaces lysine, which is basic and polar, with glutamine, which is neutral and polar, at codon 281 of the DSC2 protein (p.Lys281Gln).

NM_024422.6(DSC2):c.841A>C (p.Lys281Gln)

Gene: DSC2 (desmocollin 2; minus strand). Cytogenetic location: 18q12.1.
Variant type: single nucleotide variant.
Coding change: c.841A>C on transcript NM_024422.6 (MANE Select); coding-DNA position 841, A replaced by C.
Protein change: p.Lys281Gln; replaces lysine 281 with glutamine.
Molecular consequence: missense variant.
Genome position (GRCh38, 1-based): chr18:31,086,677, T>G on the plus strand (A>C on the coding strand, the complement: DSC2 is on the minus strand). VCF-style: chr18-31086677-T-G. GRCh37 (hg19) VCF-style: chr18-28666640-T-G.
Other names: c.841A>C, p.Lys281Gln (NM_004949.5); short protein forms K281Q.
Identifiers: ClinVar variation 1434936 (VCV001434936.7), dbSNP rs373697870, ClinGen allele CA402112187.